The following is an entry in ClinVar:

ClinVar aggregate classification (germline): Conflicting classifications of pathogenicity. Review status: criteria provided, conflicting classifications (1 of 4 stars). 4 submissions from 4 submitters: Uncertain significance (3); Likely benign (1). Last evaluated 2025-12-07.

Conditions:
Fanconi anemia (FA). Also called: Fanconi's anemia. Identifiers: Orphanet 84, MedGen C0015625, MeSH D005199, MONDO:0019391.
Fanconi anemia complementation group P. Also called: SLX4-Related Fanconi Anemia. Identifiers: Orphanet 84, MedGen C3469542, MONDO:0013499, OMIM 613951.

gnomAD v4.1: 115 of 1,614,170 alleles (0.0071%); highest among the groups gnomAD compares: Middle Eastern, 0.16%; 1 homozygote.

Submissions (4):

Labcorp Genetics (formerly Invitae), Labcorp
Classification: Likely benign for Fanconi anemia. Last evaluated: 2025-12-07. Review status: criteria provided, single submitter. Criteria: Invitae Variant Classification Sherloc (09022015). Collection method: clinical testing. Allele origin: germline.

Sema4
Classification: Uncertain significance for Fanconi anemia. Last evaluated: 2021-12-16. Review status: criteria provided, single submitter. Criteria: Sema4 Curation Guidelines. Collection method: curation. Allele origin: germline.
Comment: The SLX4 c.5040G>T (p.Arg1680Ser) variant has not been reported in the literature to our knowledge. It was observed in 20/30616 chromosomes of the South Asian (SAS) subpopulation in the large and broad cohorts of the Genome Aggregation Database (PMID: 32461654). This variant has been reported in ClinVar (Variation ID 997591). In silico tools suggest the impact of the variant on protein function is benign, though these predictions have not been confirmed by functional studies. The evidence is insufficient to meet ACMG/AMP criteria for classifying the variant as benign or pathogenic. Thus, the clinical significance of this variant is currently uncertain.

Victorian Clinical Genetics Services, Murdoch Childrens Research Institute
Classification: Uncertain significance for Fanconi anemia complementation group P. Last evaluated: 2020-05-25. Review status: criteria provided, single submitter. Criteria: ACMG Guidelines, 2015. Collection method: clinical testing. Allele origin: germline. Inheritance: Autosomal recessive inheritance.
Comment: A heterozygous missense variant was identified, NM_032444.2(SLX4):c.5040G>T in exon 14 of 15 of the SLX4 gene. This substitution is predicted to create a major amino acid change from arginine to serine at position 1680 of the protein, NP_115820.2(SLX4):p.(Arg1680Ser). The arginine at this position has low conservation (100 vertebrates, UCSC), and is not situated in a known functional domain. In silico software predicts this variant to be benign (Polyphen, SIFT, CADD, Mutation Taster). The variant is present in the gnomAD population database at a frequency of 0.01% (28 heterozygotes, 0 homozygotes). An alternative nucleotide change resulting in the same protein alteration to serine has been reported in the gnomAD database at a frequency of 0.004% (12 heterozygotes, 0 homozygotes). In addition, an alternative residue change at the same location has been reported in the gnomAD database at a frequency of 0.0008%. The alternative nucleotide change resulting in a serine has been previously reported as a VUS (ClinVar), and this variant has been reported in the germline of a patient with head and neck squamous cell carcinoma (Chandrasekharappa, S. et al. (2017)). Based on information available at the time of curation, this variant has been classified as a VARIANT of UNCERTAIN SIGNIFICANCE (VUS) with LOW CLINICAL RELEVANCE.

Baylor Genetics
Classification: Uncertain significance for Fanconi anemia complementation group P. Last evaluated: 2019-09-25. Review status: criteria provided, single submitter. Criteria: ACMG Guidelines, 2015. Collection method: clinical testing. Allele origin: unknown. Affected: yes. Study: CSER-TexasKidsCanSeq.
Comment: This variant was determined to be of uncertain significance according to ACMG Guidelines, 2015 [PMID:25741868].

Literature cited by the submitters: PubMed 28678401 (cited by Victorian Clinical Genetics Services, Murdoch Childrens Research Institute).

NM_032444.4(SLX4):c.5040G>T (p.Arg1680Ser)

Gene: SLX4 (SLX4 structure-specific endonuclease subunit; minus strand). Cytogenetic location: 16p13.3.
Variant type: single nucleotide variant.
Coding change: c.5040G>T on transcript NM_032444.4 (MANE Select); coding-DNA position 5040, G replaced by T.
Protein change: p.Arg1680Ser; replaces arginine 1680 with serine.
Molecular consequence: missense variant.
Genome position (GRCh38, 1-based): chr16:3,583,210, C>A on the plus strand (G>T on the coding strand, the complement: SLX4 is on the minus strand). VCF-style: chr16-3583210-C-A. GRCh37 (hg19) VCF-style: chr16-3633211-C-A.
Other names: short protein forms R1680S.
Identifiers: ClinVar variation 997591 (VCV000997591.13), dbSNP rs199592185, ClinGen allele CA7865441.
Genomic context (GRCh38, chr16:3,583,210, plus strand): 5'-TTGAGAGGCTGGGATCTGGGCGTCATCATTGAGGCCTGGAGGTGCCTCCTTGGTGGGCGA[C>A]CTGCTTGGGGGTGTGATGCTTTCATGATGCTTCCTTTGATGTCGGGGGCCCTTGGTCTTA-3'
Protein context (NP_115820.2, residues 1670-1690): KHHESITPPS[Arg1680Ser]SPTKEAPPGL